The following is an entry in ClinVar:

ClinVar aggregate classification (germline): Conflicting classifications of pathogenicity. Review status: criteria provided, conflicting classifications (1 of 4 stars). 16 submissions from 16 submitters: Uncertain significance (1); Benign (3); Likely benign (10). 2 of the submissions do not count toward it. Last evaluated 2026-02-02.

Conditions:
Ovarian cancer. Also called: OVARIAN CANCER, SOMATIC. Identifiers: Orphanet 213500, MedGen C1140680, MONDO:0008170, OMIM 167000.
Fanconi anemia complementation group J. Also called: BRIP1-Related Fanconi Anemia. Identifiers: Orphanet 84, MedGen C1836860, MONDO:0012187, OMIM 609054.
BRIP1-related disorder. Also called: BRIP1-related condition; BRIP1-related disorders. Identifiers: MedGen CN239206.
Breast and/or ovarian cancer. Identifiers: MedGen CN221562.
Hereditary cancer-predisposing syndrome. Also called: Neoplastic Syndromes, Hereditary; Hereditary Cancer Syndrome; Tumor predisposition; Hereditary neoplastic syndrome. Identifiers: Orphanet 140162, MedGen C0027672, MeSH D009386, MONDO:0015356.
Familial cancer of breast. Also called: Hereditary breast cancer; hereditary breast carcinoma; BREAST CANCER, FAMILIAL. Identifiers: Orphanet 227535, MedGen C0346153, MONDO:0016419, OMIM 114480. Disease mechanism: loss of function.
Hereditary breast ovarian cancer syndrome. Also called: Hereditary breast and/or ovarian cancer syndrome; Hereditary breast and ovarian cancer syndrome (HBOC); Hereditary breast and ovarian cancer syndrome; Hereditary breast and ovarian cancer; Breast and ovarian cancer; BRCA1- and BRCA2-Associated Hereditary Breast and Ovarian Cancer. Identifiers: Orphanet 145, MedGen C0677776, MeSH D061325, MONDO:0003582. Disease mechanism: loss of function.

Allele frequency attached by ClinVar (database versions not stated): gnomAD exomes 0.00005 and 0.00013; ExAC 0.00013; 1000 Genomes Project 0.00020; 1000 Genomes Project 30x 0.00031; gnomAD 0.00044 and 0.00048; ESP Exome Variant Server 0.00046; TOPMed 0.00053.

Submissions (16):

Labcorp Genetics (formerly Invitae), Labcorp
Classification: Likely benign for Familial cancer of breast; Fanconi anemia complementation group J. Last evaluated: 2026-02-02. Review status: criteria provided, single submitter. Criteria: Invitae Variant Classification Sherloc (09022015). Collection method: clinical testing. Allele origin: germline.

Dasa
Classification: Likely benign. Last evaluated: 2025-11-18. Review status: criteria provided, single submitter. Criteria: DASA Assertion Criteria. Collection method: clinical testing. Allele origin: germline.
Comment: NM_032043.3(BRIP1):c.317G>A (p.Arg106His) is a missense variant that results in the substitution of arginine with histidine. Population frequency is inconsistent with a disease-causing role for this variant. Computational prediction algorithms are consistent with a benign effect. Therefore, based on the currently available evidence, this variant is classified as likely benign.

Quest Diagnostics Nichols Institute San Juan Capistrano
Classification: Likely benign. Last evaluated: 2025-03-19. Review status: criteria provided, single submitter. Criteria: Quest Diagnostics criteria. Collection method: clinical testing. Allele origin: unknown.

Blueprint Genetics
Classification: Likely benign. Last evaluated: 2024-10-08. Review status: criteria provided, single submitter. Criteria: ACMG Guidelines, 2015. Collection method: clinical testing. Allele origin: germline.

Color Diagnostics, LLC DBA Color Health
Classification: Likely benign for Hereditary cancer-predisposing syndrome. Last evaluated: 2024-09-19. Review status: criteria provided, single submitter. Criteria: ACMG Guidelines, 2015. Collection method: clinical testing. Allele origin: germline.

Institute for Biomarker Research, Medical Diagnostic Laboratories, L.L.C.
Classification: Benign for Hereditary cancer-predisposing syndrome. Last evaluated: 2024-01-04. Review status: criteria provided, single submitter. Criteria: ACMG Guidelines, 2015. Collection method: clinical testing. Allele origin: germline.

Myriad Genetics, Inc.
Classification: Uncertain significance for Familial cancer of breast. Last evaluated: 2023-03-01. Review status: criteria provided, single submitter. Criteria: Myriad Autosomal Dominant, Autosomal Recessive and X-Linked Classification Criteria (2023). Collection method: clinical testing. Allele origin: unknown.
Comment: This variant is classified as a variant of uncertain significance as there is insufficient evidence to determine its impact on protein function and/or cancer risk.

CHEO Genetics Diagnostic Laboratory, Children's Hospital of Eastern Ontario
Classification: Likely benign for Breast and/or ovarian cancer. Last evaluated: 2022-11-15. Review status: criteria provided, single submitter. Criteria: ACMG Guidelines, 2015. Collection method: clinical testing. Allele origin: germline.

National Health Laboratory Service, Universitas Academic Hospital and University of the Free State
Classification: Benign for Hereditary breast ovarian cancer syndrome. Last evaluated: 2022-04-19. Review status: criteria provided, single submitter. Criteria: ACMG Guidelines, 2015. Collection method: clinical testing. Allele origin: germline. Affected: yes. Observed: 1 variant allele.

Sema4
Classification: Likely benign for Hereditary cancer-predisposing syndrome. Last evaluated: 2021-07-29. Review status: criteria provided, single submitter. Criteria: Sema4 Curation Guidelines. Collection method: curation. Allele origin: germline.

GeneDx
Classification: Likely benign. Last evaluated: 2021-06-08. Review status: criteria provided, single submitter. Criteria: GeneDx Variant Classification Process June 2021. Collection method: clinical testing. Allele origin: germline. Affected: yes.
Comment: This variant is associated with the following publications: (PMID: 26921362, 28382101, 27978560, 23555315, 28767289, 26689913, 27535533)

Women's Health and Genetics/Laboratory Corporation of America, LabCorp
Classification: Benign. Last evaluated: 2019-10-04. Review status: criteria provided, single submitter. Criteria: LabCorp Variant Classification Summary - May 2015. Collection method: clinical testing. Allele origin: germline.
Comment: Variant summary: BRIP1 c.317G>A (p.Arg106His) results in a non-conservative amino acid change located in the ATP-binding domain (IPR014013, IPR014001) and the c2 type DEXD box domain (IPR006554) of the encoded protein sequence. Four of five in-silico tools predict a benign effect of the variant on protein function. The variant allele was found at a frequency of 0.00016 in 282850 control chromosomes, predominantly at a frequency of 0.0014 within the African or African-American subpopulation in the gnomAD database. The observed variant frequency within African or African-American control individuals in the gnomAD database is approximately 22 fold of the estimated maximal expected allele frequency for a pathogenic variant in BRIP1 causing Hereditary Breast and Ovarian Cancer phenotype (6.3e-05). In addition, this variant was found in 9/2559 African American individuals who are cancer free and older than age 70. These data strongly suggest that the variant is a benign polymorphism found primarily in populations of African origin. c.317G>A has been reported in the literature in individuals affected with various tumor phenotypes (Pearlman 2016, Shindo 2017), however in one of these cases a patient with colorectal cancer also carried a known pathogenic APC variant (c.1759del/p.S587Afs*3, Pearlman 2016). Therefore these reports do not provide unequivocal conclusions about association of the variant with Hereditary Breast and Ovarian Cancer. To our knowledge, no experimental evidence demonstrating an impact on protein function has been reported. Six other clinical diagnostic laboratories have submitted clinical-significance assessments for this variant to ClinVar after 2014 without evidence for independent evaluation, and classified the variant as Benign (1x), Likely benign (4x) or VUS (1x). Based on the evidence outlined above, the variant was classified as benign.

Ambry Genetics
Classification: Likely benign for Hereditary cancer-predisposing syndrome. Last evaluated: 2018-10-09. Review status: criteria provided, single submitter. Criteria: Ambry Variant Classification Scheme 2023. Collection method: clinical testing. Allele origin: germline.

Genetic Services Laboratory, University of Chicago
Classification: Likely benign. Last evaluated: 2017-03-30. Review status: criteria provided, single submitter. Criteria: ACMG Guidelines, 2015. Collection method: clinical testing. Allele origin: germline. Affected: no.

PreventionGenetics, part of Exact Sciences
Classification: Likely benign for BRIP1-related condition. Last evaluated: 2019-07-11. Review status: no assertion criteria provided. Collection method: clinical testing. Allele origin: germline. Not counted in ClinVar's aggregate classification.
Comment: This variant is classified as likely benign based on ACMG/AMP sequence variant interpretation guidelines (Richards et al. 2015 PMID: 25741868, with internal and published modifications).

Counsyl
Classification: Uncertain significance for Fanconi anemia complementation group J; Ovarian cancer. Last evaluated: 2018-02-21. Review status: no assertion criteria provided. Collection method: clinical testing. Allele origin: unknown. Not counted in ClinVar's aggregate classification.

Literature cited by the submitters: PubMed 36243179 (cited by Quest Diagnostics Nichols Institute San Juan Capistrano); PubMed 27978560 (cited by 4 submitters); PubMed 28767289 (cited by 4 submitters); PubMed 33471991 (cited by Quest Diagnostics Nichols Institute San Juan Capistrano); PubMed 23555315 (cited by 3 submitters); PubMed 26689913 (cited by Quest Diagnostics Nichols Institute San Juan Capistrano and Counsyl); PubMed 26921362 (cited by Quest Diagnostics Nichols Institute San Juan Capistrano and Counsyl); PubMed 31822495 (cited by Quest Diagnostics Nichols Institute San Juan Capistrano); PubMed 33309985 (cited by Quest Diagnostics Nichols Institute San Juan Capistrano).

NM_032043.3(BRIP1):c.317G>A (p.Arg106His)

Gene: BRIP1 (BRCA1 interacting DNA helicase 1; minus strand). Cytogenetic location: 17q23.2.
Variant type: single nucleotide variant.
Coding change: c.317G>A on transcript NM_032043.3 (MANE Select); coding-DNA position 317, G replaced by A.
Protein change: p.Arg106His; replaces arginine 106 with histidine.
Molecular consequence: missense variant.
Genome position (GRCh38, 1-based): chr17:61,857,120, C>T on the plus strand (G>A on the coding strand, the complement: BRIP1 is on the minus strand). VCF-style: chr17-61857120-C-T. GRCh37 (hg19) VCF-style: chr17-59934481-C-T.
Other names: NP_114432.2:p.Arg106His; short protein forms R106H.
Identifiers: ClinVar variation 142458 (VCV000142458.40), dbSNP rs143615668, ClinGen allele CA168409.
Genomic context (GRCh38, chr17:61,857,120, plus strand): 5'-TGACAAGTTGATGAAGTGCCATTTCTTTCAGAAGGTGGTGTGCTTGGATAGTTGAAATGA[C>T]GTGAAGTTCCTTGGTTCATGTCATTGTTTGTAAAATCCTTTGAATGGCATGCACAACAAC-3'
Protein context (NP_114432.2, residues 96-116): TNNDMNQGTS[Arg106His]HFNYPSTPPS